The following is an entry in ClinVar:

ClinVar aggregate classification (germline): Uncertain significance. Review status: criteria provided, multiple submitters, no conflicts (2 of 4 stars). 2 submissions from 2 submitters: Uncertain significance (2). Last evaluated 2025-10-24.

Conditions:
Inborn genetic diseases. Identifiers: MedGen C0950123, MeSH D030342.

gnomAD v4.1: 7 of 1,573,972 alleles (0.00044%); highest among the groups gnomAD compares: Non-Finnish European, 0.0006%; no homozygotes.

Submissions (2):

Ambry Genetics
Classification: Uncertain significance for Inborn genetic diseases. Last evaluated: 2025-10-24. Review status: criteria provided, single submitter. Criteria: Ambry Variant Classification Scheme 2023. Collection method: clinical testing. Allele origin: germline.

Labcorp Genetics (formerly Invitae), Labcorp
Classification: Uncertain significance. Last evaluated: 2025-03-02. Review status: criteria provided, single submitter. Criteria: Invitae Variant Classification Sherloc (09022015). Collection method: clinical testing. Allele origin: germline.
Comment: This sequence change replaces arginine, which is basic and polar, with lysine, which is basic and polar, at codon 230 of the LEMD3 protein (p.Arg230Lys). This variant is not present in population databases (gnomAD no frequency). This variant has not been reported in the literature in individuals affected with LEMD3-related conditions. ClinVar contains an entry for this variant (Variation ID: 1904838). Invitae Evidence Modeling of protein sequence and biophysical properties (such as structural, functional, and spatial information, amino acid conservation, physicochemical variation, residue mobility, and thermodynamic stability) indicates that this missense variant is not expected to disrupt LEMD3 protein function with a negative predictive value of 80%. In summary, the available evidence is currently insufficient to determine the role of this variant in disease. Therefore, it has been classified as a Variant of Uncertain Significance.

NM_014319.5(LEMD3):c.689G>A (p.Arg230Lys)

Gene: LEMD3 (LEM domain containing 3; plus strand). Cytogenetic location: 12q14.3.
Variant type: single nucleotide variant.
Coding change: c.689G>A on transcript NM_014319.5 (MANE Select); coding-DNA position 689, G replaced by A.
Protein change: p.Arg230Lys; replaces arginine 230 with lysine.
Molecular consequence: missense variant.
Genome position (GRCh38, 1-based): chr12:65,170,285, G>A. VCF-style: chr12-65170285-G-A. GRCh37 (hg19) VCF-style: chr12-65564065-G-A.
Other names: c.689G>A (NM_014319.4); c.689G>A, p.Arg230Lys (NM_001167614.2); short protein forms R230K.
Identifiers: ClinVar variation 1904838 (VCV001904838.6), dbSNP rs1486752506, ClinGen allele CA385673748.
Genomic context (GRCh38, chr12:65,170,285, plus strand): 5'-CGCCGGGGAAAGATGGAGCAGTGGAGGACGAGGAAGGGGAGGGAGAGGACGGTGAGGAGA[G>A]GGACCCGGAGACCGAGGAGCCGCTCTGGGCGAGCCGGACCGTGAATGGCAGCCGGCTTGT-3'
Protein context (NP_055134.2, residues 220-240): EEGEGEDGEE[Arg230Lys]DPETEEPLWA